The following is an entry in ClinVar:

NM_000214.3(JAG1):c.3197dup (p.Asp1067fs)

Gene: JAG1 (jagged canonical Notch ligand 1; minus strand). Cytogenetic location: 20p12.2.
Variant type: Duplication.
Coding change: c.3197dup on transcript NM_000214.3 (MANE Select); coding-DNA position 3197, one base duplicated (C; older notation c.3197dupC).
Protein change: p.Asp1067fs; shifts the reading frame from aspartic acid 1067.
Molecular consequence: frameshift variant.
Genome position (GRCh38, 1-based): chr20:10,640,785, G duplicated on the plus strand (C on the coding strand, the reverse complement: JAG1 is on the minus strand). VCF-style (leftmost placement, unchanged base first): chr20-10640784-T-TG. GRCh37 (hg19) VCF-style: chr20-10621432-T-TG.
Other names: short protein forms D1067fs.
Identifiers: ClinVar variation 2138333 (VCV002138333.4), dbSNP rs2514507703, ClinGen allele CA2580097881.

ClinVar aggregate classification (germline): Pathogenic (1 of 4 stars; one submission).

Conditions:
Alagille syndrome due to a JAG1 point mutation. Also called: HEPATIC DUCTULAR HYPOPLASIA, SYNDROMATIC; JAG1-Related Alagille Syndrome; Alagille Syndrome 1. Identifiers: Orphanet 261619, Orphanet 52, MedGen C1956125, MONDO:0016862, OMIM 118450.

Submission:

Labcorp Genetics (formerly Invitae), Labcorp
Classification: Pathogenic for Alagille syndrome due to a JAG1 point mutation. Last evaluated: 2023-08-30. Review status: criteria provided, single submitter. Criteria: Invitae Variant Classification Sherloc (09022015). Collection method: clinical testing. Allele origin: germline.
Comment: For these reasons, this variant has been classified as Pathogenic. This variant disrupts a region of the JAG1 protein in which other variant(s) (p.Ser1075Cysfs*33, also known as Ser1107→Stop) have been determined to be pathogenic (PMID: 9700188). This suggests that this is a clinically significant region of the protein, and that variants that disrupt it are likely to be disease-causing. ClinVar contains an entry for this variant (Variation ID: 2138333). This premature translational stop signal has been observed in individual(s) with Alagille syndrome (PMID: 16575836). This variant is not present in population databases (gnomAD no frequency). This sequence change creates a premature translational stop signal (p.Asp1067Argfs*42) in the JAG1 gene. While this is not anticipated to result in nonsense mediated decay, it is expected to disrupt the last 152 amino acid(s) of the JAG1 protein.

Literature cited by the submitters: PubMed 9700188; PubMed 16575836.